The following is an entry in ClinVar:

NM_003482.4(KMT2D):c.4148G>A (p.Cys1383Tyr)

Gene: KMT2D (lysine methyltransferase 2D; minus strand). Cytogenetic location: 12q13.12.
Variant type: single nucleotide variant.
Coding change: c.4148G>A on transcript NM_003482.4 (MANE Select); coding-DNA position 4148, G replaced by A.
Protein change: p.Cys1383Tyr; replaces cysteine 1383 with tyrosine.
Molecular consequence: missense variant.
Genome position (GRCh38, 1-based): chr12:49,048,053, C>T on the plus strand (G>A on the coding strand, the complement: KMT2D is on the minus strand). VCF-style: chr12-49048053-C-T. GRCh37 (hg19) VCF-style: chr12-49441836-C-T.
Other names: short protein forms C1383Y.
Identifiers: ClinVar variation 419661 (VCV000419661.4), dbSNP rs1064794026, ClinGen allele CA16619540.

ClinVar aggregate classification (germline): Pathogenic. Review status: criteria provided, single submitter (1 of 4 stars). 2 submissions from 2 submitters: Pathogenic (1). 1 of the submissions does not count toward it. Last evaluated 2015-08-03.

Conditions:
Kabuki syndrome 1 (KABUK1). Also called: KMT2D-Related Kabuki Syndrome. Identifiers: Orphanet 2322, MedGen CN030661, MONDO:0007843, OMIM 147920.

Submissions (2):

GeneDx
Classification: Pathogenic. Last evaluated: 2015-08-03. Review status: criteria provided, single submitter. Criteria: GeneDx Variant Classification (06012015). Collection method: clinical testing. Allele origin: germline. Affected: yes.
Comment: The C1383Y substitution in the KMT2D gene has not been reported previously as a pathogenic variantnor as a benign polymorphism, to our knowledge. The C1383Y variant was not observed inapproximately 6,200 individuals of European and African American ancestry in the NHLBI ExomeSequencing Project, indicating it is not a common benign variant in these populations. The C1383Y variantis a non-conservative amino acid substitution, which is likely to impact secondary protein structure as theseresidues differ in polarity, charge, size and/or other properties. This substitution occurs at a position that isconserved across species and in silico analysis predicts this variant is probably damaging to the proteinstructure/function. Missense variants in nearby residues (M1376R, C1380R, R1388L, E1391K) havebeen reported in the Human Gene Mutation Database in association with Kabuki syndrome (Stenson et al.,2014), supporting the functional importance of this region of the protein. We interpret C1383Y as a pathogenic variant.

Autoinflammatory diseases unit, CHU de Montpellier
Classification: Pathogenic for Kabuki syndrome 1. Last evaluated: 2018-12-03. Review status: no assertion criteria provided. Collection method: clinical testing. Allele origin: de novo. Affected: yes. Not counted in ClinVar's aggregate classification.